The following is an entry in ClinVar:

ClinVar aggregate classification (germline): Uncertain significance (1 of 4 stars; one submission).

gnomAD v4.1: 4 of 1,613,818 alleles (0.00025%); highest among the groups gnomAD compares: Admixed American, 0.0067%; no homozygotes.

Submission:

Labcorp Genetics (formerly Invitae), Labcorp
Classification: Uncertain significance. Last evaluated: 2024-06-06. Review status: criteria provided, single submitter. Criteria: Invitae Variant Classification Sherloc (09022015). Collection method: clinical testing. Allele origin: germline.
Comment: This sequence change replaces methionine, which is neutral and non-polar, with valine, which is neutral and non-polar, at codon 939 of the EGF protein (p.Met939Val). This variant is present in population databases (rs758664927, gnomAD 0.01%). This variant has not been reported in the literature in individuals affected with EGF-related conditions. An algorithm developed to predict the effect of missense changes on protein structure and function (PolyPhen-2) suggests that this variant is likely to be tolerated. In summary, the available evidence is currently insufficient to determine the role of this variant in disease. Therefore, it has been classified as a Variant of Uncertain Significance.

NM_001963.6(EGF):c.2815A>G (p.Met939Val)

Gene: EGF (epidermal growth factor; plus strand). Cytogenetic location: 4q25.
Variant type: single nucleotide variant.
Coding change: c.2815A>G on transcript NM_001963.6 (MANE Select); coding-DNA position 2815, A replaced by G.
Protein change: p.Met939Val; replaces methionine 939 with valine.
Molecular consequence: missense variant. On other transcripts: intron variant (1).
Genome position (GRCh38, 1-based): chr4:109,993,327, A>G. VCF-style: chr4-109993327-A-G. GRCh37 (hg19) VCF-style: chr4-110914483-A-G.
Other names: c.2689A>G, p.Met897Val (NM_001178131.3); c.2446A>G, p.Met816Val (NM_001357021.2); c.2735-1406A>G (NM_001178130.3); short protein forms M897V, M816V, M939V.
Identifiers: ClinVar variation 3708562 (VCV003708562.2).